The following is an entry in ClinVar:

ClinVar aggregate classification (germline): Uncertain significance (1 of 4 stars; one submission).

Conditions:
Tay-Sachs disease (TSD). Also called: HEXA DEFICIENCY; GM2 gangliosidosis, type 1; Hexosaminidase alpha-subunit deficiency (variant B); Sphingolipidosis, Tay-Sachs; Hexosaminidase A Deficiency; HEXA Disorders. Identifiers: Orphanet 845, MedGen C0039373, MONDO:0010100, OMIM 272800.

Allele frequency attached by ClinVar (database versions not stated): gnomAD exomes below 0.00001.
gnomAD v4.1: 1 of 1,614,058 alleles (0.000062%); highest among the groups gnomAD compares: Non-Finnish European, 0.000085%; no homozygotes.

Submission:

Labcorp Genetics (formerly Invitae), Labcorp
Classification: Uncertain significance for Tay-Sachs disease. Last evaluated: 2022-05-05. Review status: criteria provided, single submitter. Criteria: Invitae Variant Classification Sherloc (09022015). Collection method: clinical testing. Allele origin: germline.
Comment: This sequence change replaces proline, which is neutral and non-polar, with serine, which is neutral and polar, at codon 429 of the HEXA protein (p.Pro429Ser). This variant is not present in population databases (gnomAD no frequency). This variant has not been reported in the literature in individuals affected with HEXA-related conditions. Algorithms developed to predict the effect of missense changes on protein structure and function are either unavailable or do not agree on the potential impact of this missense change (SIFT: "Tolerated"; PolyPhen-2: "Possibly Damaging"; Align-GVGD: "Class C0"). In summary, the available evidence is currently insufficient to determine the role of this variant in disease. Therefore, it has been classified as a Variant of Uncertain Significance.

NM_000520.6(HEXA):c.1285C>T (p.Pro429Ser)

Gene: HEXA (hexosaminidase subunit alpha; minus strand). Cytogenetic location: 15q23.
Variant type: single nucleotide variant.
Coding change: c.1285C>T on transcript NM_000520.6 (MANE Select); coding-DNA position 1285, C replaced by T.
Protein change: p.Pro429Ser; replaces proline 429 with serine.
Molecular consequence: missense variant.
Genome position (GRCh38, 1-based): chr15:72,346,572, G>A on the plus strand (C>T on the coding strand, the complement: HEXA is on the minus strand). VCF-style: chr15-72346572-G-A. GRCh37 (hg19) VCF-style: chr15-72638913-G-A.
Other names: c.1318C>T, p.Pro440Ser (NM_001318825.2); short protein forms P429S, P440S.
Identifiers: ClinVar variation 1501646 (VCV001501646.5), dbSNP rs2140320635, ClinGen allele CA393060596.